The following is an entry in ClinVar:

ClinVar aggregate classification (germline): Conflicting classifications of pathogenicity. Review status: criteria provided, conflicting classifications (1 of 4 stars). 5 submissions from 5 submitters: Uncertain significance (1); Likely benign (3). 1 of the submissions does not count toward it. Last evaluated 2025-10-06.

Conditions:
PEX6-related disorder. Also called: PEX6-related disorders; PEX6-related condition.
Zellweger spectrum disorders (ZS). Also called: Zellweger Spectrum Disorder; Zellweger Spectrum; Zellweger syndrome; Zellweger Spectrum Disorder (ZSD). Identifiers: Orphanet 912, MedGen C0043459, MONDO:0019609.
Peroxisome biogenesis disorder. Identifiers: Orphanet 79189, MedGen C1832200, MONDO:0019234. Disease mechanism: loss of function.

Allele frequency attached by ClinVar (database versions not stated): TOPMed 0.00001; gnomAD exomes 0.00002.
gnomAD v4.1: 7 of 1,534,176 alleles (0.00046%); highest among the groups gnomAD compares: Non-Finnish European, 0.00061%; no homozygotes.

Submissions (5):

Labcorp Genetics (formerly Invitae), Labcorp
Classification: Likely benign for Peroxisome biogenesis disorder. Last evaluated: 2025-10-06. Review status: criteria provided, single submitter. Criteria: Invitae Variant Classification Sherloc (09022015). Collection method: clinical testing. Allele origin: germline.

PreventionGenetics, part of Exact Sciences
Classification: Likely benign for PEX6-related condition. Last evaluated: 2025-09-16. Review status: criteria provided, single submitter. Criteria: ACMG Guidelines, 2015. Collection method: clinical testing. Allele origin: germline.
Comment: This variant is classified as likely benign based on ACMG/AMP sequence variant interpretation guidelines (Richards et al. 2015 PMID: 25741868, with internal and published modifications).

Blueprint Genetics
Classification: Likely benign. Last evaluated: 2020-12-04. Review status: criteria provided, single submitter. Criteria: ACMG Guidelines, 2015. Collection method: clinical testing. Allele origin: germline.

Eurofins Ntd Llc (ga)
Classification: Uncertain significance. Last evaluated: 2018-02-22. Review status: criteria provided, single submitter. Criteria: EGL ClinVar v180209 classification definitions. Collection method: clinical testing. Allele origin: germline. Observed: 1 variant allele, 1 heterozygote.

Natera, Inc.
Classification: Likely benign for Zellweger syndrome. Last evaluated: 2021-06-28. Review status: no assertion criteria provided. Collection method: clinical testing. Allele origin: germline. Not counted in ClinVar's aggregate classification.

NM_000287.4(PEX6):c.106C>T (p.Leu36=)

Gene: PEX6 (peroxisomal biogenesis factor 6; minus strand). Cytogenetic location: 6p21.1.
Variant type: single nucleotide variant.
Coding change: c.106C>T on transcript NM_000287.4 (MANE Select); coding-DNA position 106, C replaced by T.
Protein change: p.Leu36=; no amino-acid change (leucine 36 retained).
Molecular consequence: synonymous variant. On other transcripts: non-coding transcript variant (1).
Genome position (GRCh38, 1-based): chr6:42,979,045, G>A on the plus strand (C>T on the coding strand, the complement: PEX6 is on the minus strand). VCF-style: chr6-42979045-G-A. GRCh37 (hg19) VCF-style: chr6-42946783-G-A.
Other names: c.106C>T, p.Leu36= (NM_001316313.2); c.106C>T (NM_000287.3).
Identifiers: ClinVar variation 596250 (VCV000596250.16), dbSNP rs758416830, ClinGen allele CA450366242.